The following is an entry in ClinVar:

NM_007103.4(NDUFV1):c.1022C>T (p.Ala341Val)

Gene: NDUFV1 (NADH:ubiquinone oxidoreductase core subunit V1; plus strand). Cytogenetic location: 11q13.2.
Variant type: single nucleotide variant.
Coding change: c.1022C>T on transcript NM_007103.4 (MANE Select); coding-DNA position 1022, C replaced by T.
Protein change: p.Ala341Val; replaces alanine 341 with valine.
Molecular consequence: missense variant.
Genome position (GRCh38, 1-based): chr11:67,611,511, C>T. VCF-style: chr11-67611511-C-T. GRCh37 (hg19) VCF-style: chr11-67378982-C-T.
Other names: c.995C>T, p.Ala332Val (NM_001166102.2); short protein forms A341V, A332V.
Identifiers: ClinVar variation 14058 (VCV000014058.16), dbSNP rs121913660, ClinGen allele CA123737.

ClinVar aggregate classification (germline): Pathogenic/Likely pathogenic. Review status: criteria provided, multiple submitters, no conflicts (2 of 4 stars). 8 submissions from 8 submitters: Pathogenic (3); Likely pathogenic (4). 1 of the submissions does not count toward it. Last evaluated 2025-10-21.

Conditions:
Mitochondrial complex I deficiency. Also called: NADH:Q(1) OXIDOREDUCTASE DEFICIENCY. Identifiers: Orphanet 2609, MedGen C1838979, MeSH C537475, MONDO:0100133.
Mitochondrial complex I deficiency, nuclear type 4. Also called: Mitochondrial complex 1 deficiency, nuclear type 4. Identifiers: MedGen C4748753, MONDO:0032609, OMIM 618225.
Leigh syndrome (NULS). Also called: Leigh Disease; Leigh's necrotizing encephalopathy; Leigh's disease; Leigh's syndrome; Leigh Syndrome (mtDNA deletion); Subacute necrotizing encephalopathy. Identifiers: Orphanet 506, MedGen C2931891, MONDO:0009723, OMIM 256000.

Allele frequency attached by ClinVar (database versions not stated): ExAC 0.00005; gnomAD exomes 0.00003 and 0.00002; TOPMed 0.00005; gnomAD 0.00006.

Submissions (8):

Women's Health and Genetics/Laboratory Corporation of America, LabCorp
Classification: Pathogenic for Leigh syndrome. Last evaluated: 2025-10-21. Review status: criteria provided, single submitter. Criteria: LabCorp Variant Classification Summary - May 2015. Collection method: clinical testing. Allele origin: germline.
Comment: Variant summary: NDUFV1 c.1022C>T (p.Ala341Val) results in a non-conservative amino acid change in the encoded protein sequence. Algorithms developed to predict the effect of missense changes on protein structure and function are either unavailable or do not agree on the potential impact of this missense change. The variant allele was found at a frequency of 3.2e-05 in 249160 control chromosomes. c.1022C>T has been reported in the literature in at-least three homozygous individuals affected with isolated complex I deficiency (example, Schuelke_1999, Bugiani_2004, Ashrafi_2023). These data indicate that the variant is likely to be associated with disease. Experimental evidence evaluating an impact on protein function provided conflicting conclusions. Specifically, an animal study utilizing transgenic strains of C. elegans demonstrated the variant to be damaging (Grad_2004), while another study utilizing a yeast model system (Y. lipolytica) concluded the variant behaved normally (Varghese_2015). The following publications have been ascertained in the context of this evaluation (PMID: 37597066, 15576045, 14662656, 10080174, 26345448). ClinVar contains an entry for this variant (Variation ID: 14058). Based on the evidence outlined above, the variant was classified as pathogenic.

First Genomix Gene Laboratory, Genetic Diagnostics Department
Classification: Pathogenic for Mitochondrial complex I deficiency, nuclear type 4. Last evaluated: 2025-07-09. Review status: criteria provided, single submitter. Criteria: ACMG Guidelines, 2015. Collection method: clinical testing. Allele origin: germline. Inheritance: Autosomal recessive inheritance. Affected: no. Observed: 1 variant allele.

Labcorp Genetics (formerly Invitae), Labcorp
Classification: Likely pathogenic. Last evaluated: 2025-03-30. Review status: criteria provided, single submitter. Criteria: Invitae Variant Classification Sherloc (09022015). Collection method: clinical testing. Allele origin: germline.
Comment: This sequence change replaces alanine, which is neutral and non-polar, with valine, which is neutral and non-polar, at codon 341 of the NDUFV1 protein (p.Ala341Val). This variant is present in population databases (rs121913660, gnomAD 0.004%). This missense change has been observed in individuals with clinical features of mitochondrial complex I deficiency (PMID: 10080174, 15576045, 38129218). ClinVar contains an entry for this variant (Variation ID: 14058). Invitae Evidence Modeling of protein sequence and biophysical properties (such as structural, functional, and spatial information, amino acid conservation, physicochemical variation, residue mobility, and thermodynamic stability) has been performed for this missense variant. However, the output from this modeling did not meet the statistical confidence thresholds required to predict the impact of this variant on NDUFV1 protein function. Experimental studies are conflicting or provide insufficient evidence to determine the effect of this variant on NDUFV1 function (PMID: 14662656, 26345448). In summary, the currently available evidence indicates that the variant is pathogenic, but additional data are needed to prove that conclusively. Therefore, this variant has been classified as Likely Pathogenic.

Fulgent Genetics
Classification: Likely pathogenic for Mitochondrial complex I deficiency, nuclear type 4. Last evaluated: 2024-02-20. Review status: criteria provided, single submitter. Criteria: ACMG Guidelines, 2015. Collection method: clinical testing. Allele origin: germline.

Neuberg Centre For Genomic Medicine, NCGM
Classification: Likely pathogenic for Mitochondrial complex I deficiency, nuclear type 4. Last evaluated: 2023-06-02. Review status: criteria provided, single submitter. Criteria: ACMG Guidelines, 2015. Collection method: clinical testing. Allele origin: germline. Inheritance: Autosomal dominant inheritance. Affected: yes.
Comment: The observed missense variant c.1022C>T(p.Ala341Val) in NDUFV1 gene has been reported previously in homozygous state in multiple individuals with mitochondrial disorders (Zanette V, et al., 2021, Varghese F, et al., 2015, Bugiani M, et al., 2004). The c.1022C>T(p.Ala341Val) variant is reported with 0.003% allele frequency in gnomAD Exomes. This variant has been reported to the ClinVar database with varying interpretations as Uncertain Significane/ Likely Pathogenic/ Pathogenic. Multiple lines of computational evidence (Polyphen-possibly damaging, SIFT-dmaging and Mutation Taster-disease causing) predict a damaging effect on protein structure and function for this variant. The amino acid Ala at position 341 is changed to a Val changing protein sequence and it might alter its composition and physico-chemical properties. The reference amino acid p.Ala341Val in NDUFV1 is predicted as conserved by GERP++ and PhyloP across 100 vertebrates. For these reasons, this variant has been classified as Likely Pathogenic.

GeneDx
Classification: Pathogenic. Last evaluated: 2022-07-27. Review status: criteria provided, single submitter. Criteria: GeneDx Variant Classification Process June 2021. Collection method: clinical testing. Allele origin: germline. Affected: yes.
Comment: Published functional studies demonstrate a damaging effect (Grad et al., 2004); Not observed at significant frequency in large population cohorts (gnomAD); This variant is associated with the following publications: (PMID: 10330338, 23562761, 26345448, 21696386, 29948731, 22310368, 17162199, 18991197, 11579423, 19041632, 14662656, 26004627, 10080174, 34426522, 15576045)

Baylor Genetics
Classification: Likely pathogenic for Mitochondrial complex I deficiency, nuclear type 4. Review status: criteria provided, single submitter. Criteria: ACMG Guidelines, 2015. Collection method: clinical testing. Allele origin: unknown.

OMIM
Classification: Uncertain significance for RECLASSIFIED - VARIANT OF UNKNOWN SIGNIFICANCE. Last evaluated: 1999-03-01. Review status: no assertion criteria provided. Collection method: literature only. Allele origin: germline. Not counted in ClinVar's aggregate classification.

Literature cited by the submitters: PubMed 10080174 (cited by 3 submitters); PubMed 26345448 (cited by 3 submitters); PubMed 15576045 (cited by Women's Health and Genetics/Laboratory Corporation of America, LabCorp and Labcorp Genetics (formerly Invitae), Labcorp); PubMed 14662656 (cited by Women's Health and Genetics/Laboratory Corporation of America, LabCorp and Labcorp Genetics (formerly Invitae), Labcorp); PubMed 37597066 (cited by Women's Health and Genetics/Laboratory Corporation of America, LabCorp); PubMed 38129218 (cited by Labcorp Genetics (formerly Invitae), Labcorp).